The following is an entry in ClinVar:

NM_000230.3(LEP):c.134T>A (p.Ile45Asn)

Gene: LEP (leptin; plus strand). Cytogenetic location: 7q32.1.
Variant type: single nucleotide variant.
Coding change: c.134T>A on transcript NM_000230.3 (MANE Select); coding-DNA position 134, T replaced by A.
Protein change: p.Ile45Asn; replaces isoleucine 45 with asparagine.
Molecular consequence: missense variant.
Genome position (GRCh38, 1-based): chr7:128,252,152, T>A. VCF-style: chr7-128252152-T-A. GRCh37 (hg19) VCF-style: chr7-127892205-T-A.
Other names: short protein forms I45N.
Identifiers: ClinVar variation 4994124 (VCV004994124.1).
Genomic context (GRCh38, chr7:128,252,152, plus strand): 5'-AAAAAGTCCAAGATGACACCAAAACCCTCATCAAGACAATTGTCACCAGGATCAATGACA[T>A]TTCACACACGGTAAGGAGAGTATGCGGGGACAAAGTAGAACTGCAGCCAGCCCAGCACTG-3'
Protein context (NP_000221.1, residues 35-55): IKTIVTRIND[Ile45Asn]SHTQSVSSKQ

ClinVar aggregate classification (germline): Uncertain significance (1 of 4 stars; one submission).

Conditions:
LEP-related disorder. Also called: LEP-related condition.

gnomAD v4.1: 2 of 1,614,164 alleles (0.00012%); highest among the groups gnomAD compares: Non-Finnish European, 0.000085%; no homozygotes.

Submission:

PreventionGenetics, part of Exact Sciences
Classification: Uncertain significance for LEP-related condition. Last evaluated: 2025-11-19. Review status: criteria provided, single submitter. Criteria: ACMG Guidelines, 2015. Collection method: clinical testing. Allele origin: germline.
Comment: The LEP c.134T>A variant is predicted to result in the amino acid substitution p.Ile45Asn. To our knowledge, this variant has not been reported in the literature. This variant is reported in 0.00088% of alleles in individuals of European (Non-Finnish) descent in gnomAD. At this time, the clinical significance of this variant is uncertain due to the absence of conclusive functional and genetic evidence.